The following is an entry in ClinVar:

NM_001330260.2(SCN8A):c.395+4T>C

Gene: SCN8A (sodium voltage-gated channel alpha subunit 8; plus strand). Cytogenetic location: 12q13.13.
Variant type: single nucleotide variant.
Coding change: c.395+4T>C on transcript NM_001330260.2 (MANE Select); 4 bases into the intron after coding-DNA position 395, T replaced by C.
Molecular consequence: intron variant.
Genome position (GRCh38, 1-based): chr12:51,684,296, T>C. VCF-style: chr12-51684296-T-C. GRCh37 (hg19) VCF-style: chr12-52078080-T-C.
Other names: c.395+4T>C (NM_014191.4, NM_001177984.3, NM_001369788.1).
Identifiers: ClinVar variation 2019262 (VCV002019262.5), dbSNP rs2540152261, ClinGen allele CA2580086406.

ClinVar aggregate classification (germline): Uncertain significance. Review status: criteria provided, multiple submitters, no conflicts (2 of 4 stars). 2 submissions from 2 submitters: Uncertain significance (2). Last evaluated 2024-09-20.

Conditions:
Early-infantile DEE. Also called: Early infantile epileptic encephalopathy; Ohtahara syndrome; Early infantile epileptic encephalopathy with suppression bursts. Identifiers: Orphanet 1934, MedGen C0393706, MONDO:0800491.

Submissions (2):

GeneDx
Classification: Uncertain significance. Last evaluated: 2024-09-20. Review status: criteria provided, single submitter. Criteria: GeneDx Variant Classification Process June 2021. Collection method: clinical testing. Allele origin: germline. Affected: yes.
Comment: Not observed at significant frequency in large population cohorts (gnomAD); In silico analysis is inconclusive as to whether the variant alters gene splicing. In the absence of RNA/functional studies, the actual effect of this sequence change is unknown.; Has not been previously published as pathogenic or benign to our knowledge

Labcorp Genetics (formerly Invitae), Labcorp
Classification: Uncertain significance for Early-infantile DEE. Last evaluated: 2022-07-23. Review status: criteria provided, single submitter. Criteria: Invitae Variant Classification Sherloc (09022015). Collection method: clinical testing. Allele origin: germline.
Comment: This sequence change falls in intron 3 of the SCN8A gene. It does not directly change the encoded amino acid sequence of the SCN8A protein. It affects a nucleotide within the consensus splice site. In summary, the available evidence is currently insufficient to determine the role of this variant in disease. Therefore, it has been classified as a Variant of Uncertain Significance. Variants that disrupt the consensus splice site are a relatively common cause of aberrant splicing (PMID: 17576681, 9536098). Algorithms developed to predict the effect of sequence changes on RNA splicing suggest that this variant may disrupt the consensus splice site. This variant has not been reported in the literature in individuals affected with SCN8A-related conditions. This variant is not present in population databases (gnomAD no frequency).

Literature cited by the submitters: PubMed 17576681 (cited by Labcorp Genetics (formerly Invitae), Labcorp); PubMed 9536098 (cited by Labcorp Genetics (formerly Invitae), Labcorp).